The following is an entry in ClinVar:

ClinVar aggregate classification (germline): Pathogenic/Likely pathogenic. Review status: criteria provided, multiple submitters, no conflicts (2 of 4 stars). 2 submissions from 2 submitters: Pathogenic (1); Likely pathogenic (1). Last evaluated 2024-03-21.

Conditions:
Short rib-polydactyly syndrome. Identifiers: Orphanet 1505, MedGen C0036996, MONDO:0015461.
Short-rib thoracic dysplasia 6 with or without polydactyly (SRTD6). Also called: Majewski Syndrome; POLYDACTYLY WITH NEONATAL CHONDRODYSTROPHY, TYPE II; SHORT-RIB THORACIC DYSPLASIA 6 WITH POLYDACTYLY; SHORT-RIB THORACIC DYSPLASIA 6 WITHOUT POLYDACTYLY; SHORT RIB-POLYDACTYLY SYNDROME, TYPE IIA. Identifiers: MedGen C0024507, MONDO:0009894, OMIM 263520.

Allele frequency attached by ClinVar (database versions not stated): gnomAD exomes 0.00001; ExAC 0.00002; TOPMed 0.00002; gnomAD 0.00004; ESP Exome Variant Server 0.00008.
gnomAD v4.1: 10 of 1,611,114 alleles (0.00062%); highest among the groups gnomAD compares: African/African-American, 0.012%; no homozygotes.

Submissions (2):

Laboratory for Molecular Medicine, Mass General Brigham Personalized Medicine
Classification: Likely pathogenic for Short rib-polydactyly syndrome. Last evaluated: 2024-03-21. Review status: criteria provided, single submitter. Criteria: ACMG Guidelines, 2015. Collection method: clinical testing. Allele origin: germline. Inheritance: Autosomal recessive inheritance.
Comment: The p.Glu536X variant in NEK1 has not been reported in individuals with NEK1-associated disorders, but has been reported by other clinical laboratories in ClinVar (Variation ID 1898292). This variant has also been identified in 0.015% (6/41458) of African/African American chromosomes by gnomAD (v.3.1.2).This nonsense variant leads to a premature termination codon at position 536, which is predicted to lead to a truncated or absent protein. Biallelic loss of function variants have been reported in individuals with clinical features of short rib thoracic dysplasia. In summary, although additional studies are required to fully establish its clinical significance, this variant meets criteria to be classified as likely pathogenic for autosomal recessive short-rib polydactyly syndrome. ACMG/AMP Criteria applied: PVS1, PM2_Supporting.

Labcorp Genetics (formerly Invitae), Labcorp
Classification: Pathogenic for Short-rib thoracic dysplasia 6 with or without polydactyly. Last evaluated: 2023-10-10. Review status: criteria provided, single submitter. Criteria: Invitae Variant Classification Sherloc (09022015). Collection method: clinical testing. Allele origin: germline.
Comment: This sequence change creates a premature translational stop signal (p.Glu536*) in the NEK1 gene. It is expected to result in an absent or disrupted protein product. Loss-of-function variants in NEK1 are known to be pathogenic (PMID: 22499340, 29068549). This variant is present in population databases (rs368940355, gnomAD 0.01%). This variant has not been reported in the literature in individuals affected with NEK1-related conditions. ClinVar contains an entry for this variant (Variation ID: 1898292). Algorithms developed to predict the effect of sequence changes on RNA splicing suggest that this variant may disrupt the consensus splice site. For these reasons, this variant has been classified as Pathogenic.

Literature cited by the submitters: PubMed 22499340 (cited by Labcorp Genetics (formerly Invitae), Labcorp); PubMed 29068549 (cited by Labcorp Genetics (formerly Invitae), Labcorp).

NM_001199397.3(NEK1):c.1606G>T (p.Glu536Ter)

Gene: NEK1 (NIMA related kinase 1; minus strand). Cytogenetic location: 4q33.
Variant type: single nucleotide variant.
Coding change: c.1606G>T on transcript NM_001199397.3 (MANE Select); coding-DNA position 1606, G replaced by T.
Protein change: p.Glu536Ter; replaces glutamic acid 536 with a stop codon.
Molecular consequence: nonsense. On other transcripts: non-coding transcript variant (1).
Genome position (GRCh38, 1-based): chr4:169,537,868, C>A on the plus strand (G>T on the coding strand, the complement: NEK1 is on the minus strand). VCF-style: chr4-169537868-C-A. GRCh37 (hg19) VCF-style: chr4-170459019-C-A.
Other names: c.1474G>T, p.Glu492Ter (NM_001199398.3, NM_001199400.3); c.1399G>T, p.Glu467Ter (NM_001199399.3); c.1606G>T, p.Glu536Ter (NM_001374418.1, NM_001374419.1, NM_012224.4); c.1555G>T, p.Glu519Ter (NM_001374420.1); c.1480G>T, p.Glu494Ter (NM_001374421.1); short protein forms E536*, E494*, E519*, E467*, E492*.
Identifiers: ClinVar variation 1898292 (VCV001898292.6), dbSNP rs368940355, ClinGen allele CA3137686.